The following is an entry in ClinVar:

NM_152564.5(VPS13B):c.6266G>T (p.Gly2089Val)

Gene: VPS13B (vacuolar protein sorting 13 homolog B; plus strand). Cytogenetic location: 8q22.2.
Variant type: single nucleotide variant.
Coding change: c.6266G>T on transcript NM_152564.5 (MANE Select); coding-DNA position 6266, G replaced by T.
Protein change: p.Gly2089Val; replaces glycine 2089 with valine.
Molecular consequence: missense variant.
Genome position (GRCh38, 1-based): chr8:99,699,744, G>T. VCF-style: chr8-99699744-G-T. GRCh37 (hg19) VCF-style: chr8-100711972-G-T.
Other names: c.6341G>T, p.Gly2114Val (NM_017890.5); c.6266G>T (NM_152564.4); short protein forms G2089V.
Identifiers: ClinVar variation 95860 (VCV000095860.7), dbSNP rs398124336, ClinGen allele CA223474.
Genomic context (GRCh38, chr8:99,699,744, plus strand): 5'-ATCTTCCAGTCTCCAAATATTACCGTGGAAAGTTGTCTAAACCCAAAATTCATGGTGATG[G>T]AGTGCAAAAGATTTCAGCTCAAGAAAACATGTGGAGAGCTGTTTCCTGCTTTCAAAAAAT-3'
Protein context (NP_689777.3, residues 2079-2099): KLSKPKIHGD[Gly2089Val]VQKISAQENM

ClinVar aggregate classification (germline): Uncertain significance. Review status: criteria provided, multiple submitters, no conflicts (2 of 4 stars). 3 submissions from 3 submitters: Uncertain significance (2). 1 of the submissions does not count toward it. Last evaluated 2025-07-24.

Conditions:
VPS13B-related disorder. Also called: VPS13B-related condition.
Cohen syndrome (COH1). Also called: PEPPER SYNDROME; Cutis verticis gyrata, retinitis pigmentosa, and sensorineural deafness. Identifiers: Orphanet 193, MedGen C0265223, MONDO:0008999, OMIM 216550.

gnomAD v4.1: 2 of 1,614,124 alleles (0.00012%); highest among the groups gnomAD compares: Non-Finnish European, 0.00017%; no homozygotes.

Submissions (3):

PreventionGenetics, part of Exact Sciences
Classification: Uncertain significance for VPS13B-related condition. Last evaluated: 2025-07-24. Review status: criteria provided, single submitter. Criteria: ACMG Guidelines, 2015. Collection method: clinical testing. Allele origin: germline.
Comment: The VPS13B c.6266G>T variant is predicted to result in the amino acid substitution p.Gly2089Val. To our knowledge, this variant has not been reported in the literature or in a large population database (gnomAD), indicating this variant is rare. At this time, the clinical significance of this variant is uncertain due to the absence of conclusive functional and genetic evidence.

Eurofins Ntd Llc (ga)
Classification: Uncertain significance. Last evaluated: 2013-04-24. Review status: criteria provided, single submitter. Criteria: EGL Classification Definitions 2015. Collection method: clinical testing. Allele origin: germline. Observed: 1 variant allele, 1 heterozygote.

Natera, Inc.
Classification: Uncertain significance for Cohen syndrome. Last evaluated: 2025-01-20. Review status: no assertion criteria provided. Collection method: clinical testing. Allele origin: germline. Not counted in ClinVar's aggregate classification.